The following is an entry in ClinVar:

NM_004187.5(KDM5C):c.4495G>A (p.Glu1499Lys)

Gene: KDM5C (lysine demethylase 5C; minus strand). Cytogenetic location: Xp11.22.
Variant type: single nucleotide variant.
Coding change: c.4495G>A on transcript NM_004187.5 (MANE Select); coding-DNA position 4495, G replaced by A.
Protein change: p.Glu1499Lys; replaces glutamic acid 1499 with lysine.
Molecular consequence: missense variant. On other transcripts: intron variant (5).
Genome position (GRCh38, 1-based): chrX:53,193,155, C>T on the plus strand (G>A on the coding strand, the complement: KDM5C is on the minus strand). VCF-style: chrX-53193155-C-T. GRCh37 (hg19) VCF-style: chrX-53222337-C-T.
Other names: c.4492G>A, p.Glu1498Lys (NM_001282622.3); c.4486G>A, p.Glu1496Lys (NM_001353978.3); c.4305+282G>A (NM_001353982.2); c.4314+282G>A (NM_001353979.2); c.4308+282G>A (NM_001353981.2, NM_001353984.2); c.4047-318G>A (NM_001146702.2); short protein forms E1496K, E1498K, E1499K.
Identifiers: ClinVar variation 3340163 (VCV003340163.2).

ClinVar aggregate classification (germline): Uncertain significance (1 of 4 stars; one submission).

Conditions:
Intellectual developmental disorder, X-linked, syndromic, Claes-Jensen type. Also called: INTELLECTUAL DEVELOPMENTAL DISORDER, X-LINKED, SYNDROMIC 16; MENTAL RETARDATION, X-LINKED, SYNDROMIC 16; Syndromic X-linked intellectual disability Claes-Jensen type. Identifiers: Orphanet 85279, MedGen C1845243, MONDO:0010355, OMIM 300534.

Submission:

Institute of Human Genetics, University of Goettingen
Classification: Uncertain significance for Intellectual developmental disorder, X-linked, syndromic, Claes-Jensen type. Last evaluated: 2024-09-11. Review status: criteria provided, single submitter. Criteria: ACMG Guidelines, 2015. Collection method: clinical testing. Allele origin: unknown. Inheritance: X-linked recessive inheritance. Observed: 1 heterozygote.
Comment: The variant c.4495G>A (p.(Glu1499Lys)) in exon 26 of the KDM5C-gene is not found in the gnomAD database, it affects a weakly conserved nucleotide, and a moderately conserved amino acid and there is a small physicochemical difference between Glu and Lys. This variant has a benign computational verdict based on in silico prediction algorithms. ACMG criteria used for classification: PM2_sup, PP2, BP4.